The following is an entry in ClinVar:

ClinVar aggregate classification (germline): Uncertain significance. Review status: criteria provided, multiple submitters, no conflicts (2 of 4 stars). 2 submissions from 2 submitters: Uncertain significance (2). Last evaluated 2022-04-01.

Conditions:
Multiple congenital anomalies-hypotonia-seizures syndrome 2 (MCAHS2). Also called: EPILEPTIC ENCEPHALOPATHY, EARLY INFANTILE, 20; GLYCOSYLPHOSPHATIDYLINOSITOL BIOSYNTHESIS DEFECT 4. Identifiers: Orphanet 300496, MedGen C3275508, MONDO:0010466, OMIM 300868.

Allele frequency attached by ClinVar (database versions not stated): gnomAD 0.00001; gnomAD exomes 0.00001; TOPMed 0.00002.
gnomAD v4.1: 13 of 1,204,961 alleles (0.0011%); highest among the groups gnomAD compares: Non-Finnish European, 0.0013%; no homozygotes.

Submissions (2):

Labcorp Genetics (formerly Invitae), Labcorp
Classification: Uncertain significance for Multiple congenital anomalies-hypotonia-seizures syndrome 2. Last evaluated: 2022-04-01. Review status: criteria provided, single submitter. Criteria: Invitae Variant Classification Sherloc (09022015). Collection method: clinical testing. Allele origin: germline.
Comment: In summary, the available evidence is currently insufficient to determine the role of this variant in disease. Therefore, it has been classified as a Variant of Uncertain Significance. Algorithms developed to predict the effect of missense changes on protein structure and function (SIFT, PolyPhen-2, Align-GVGD) all suggest that this variant is likely to be tolerated. ClinVar contains an entry for this variant (Variation ID: 972192). This variant has not been reported in the literature in individuals affected with PIGA-related conditions. This variant is present in population databases (rs773189052, gnomAD 0.002%), including at least one homozygous and/or hemizygous individual. This sequence change replaces arginine, which is basic and polar, with threonine, which is neutral and polar, at codon 473 of the PIGA protein (p.Arg473Thr).

Illumina Laboratory Services, Illumina
Classification: Uncertain significance for Multiple congenital anomalies-hypotonia-seizures syndrome 2. Last evaluated: 2019-09-12. Review status: criteria provided, single submitter. Criteria: ICSLVariantClassificationCriteria RUGD 01 April 2020. Collection method: clinical testing. Allele origin: unknown.
Comment: The PIGA c.1418G>C (p.Arg473Thr) variant is a missense variant. A literature search was performed for the gene, cDNA change, and amino acid change. No publications were found based on this search. This variant is reported at a frequency of 0.000022 in the European (non-Finnish) population of the Genome Aggregation Database, though this is based on two alleles in a region of good sequence coverage, so the variant is presumed to be rare. The p.Arg473Thr variant is also reported in one hemizygote in the Genome Aggregation Database. Based on the limited evidence, the p.Arg473Thr variant is classified as a variant of unknown significance for multiple congenital anomalies-hypotonia-seizures syndrome 2.

NM_002641.4(PIGA):c.1418G>C (p.Arg473Thr)

Gene: PIGA (phosphatidylinositol glycan anchor biosynthesis class A; minus strand). Cytogenetic location: Xp22.2.
Variant type: single nucleotide variant.
Coding change: c.1418G>C on transcript NM_002641.4 (MANE Select); coding-DNA position 1418, G replaced by C.
Protein change: p.Arg473Thr; replaces arginine 473 with threonine.
Molecular consequence: missense variant. On other transcripts: non-coding transcript variant (2).
Genome position (GRCh38, 1-based): chrX:15,321,543, C>G on the plus strand (G>C on the coding strand, the complement: PIGA is on the minus strand). VCF-style: chrX-15321543-C-G. GRCh37 (hg19) VCF-style: chrX-15339665-C-G.
Other names: c.716G>C, p.Arg239Thr (NM_020473.3); short protein forms R473T, R239T.
Identifiers: ClinVar variation 972192 (VCV000972192.12), dbSNP rs773189052, ClinGen allele CA326944302.
Genomic context (GRCh38, chrX:15,321,543, plus strand): 5'-AATCTTACAATCTAGGCTTCCTTCTACCTGGTTTCAGATATCTCATTATTCTCACCCCCT[C>G]TTTTACTGTGAGAATAGTTATTAGTCCAGGCACCCCGTGGCCCAGTGGCATCTATTGCAA-3'
Protein context (NP_002632.1, residues 463-483): AWTNNYSHSK[Arg473Thr]GGENNEISET